The following is an entry in ClinVar:

ClinVar aggregate classification (germline): Uncertain significance (1 of 4 stars; one submission).

Conditions:
Familial sleep-related hypermotor epilepsy. Also called: Autosomal Dominant Sleep-Related Hypermotor (Hyperkinetic) Epilepsy. Identifiers: Orphanet 98784, MedGen C3696898, MONDO:0000030.

Submission:

Labcorp Genetics (formerly Invitae), Labcorp
Classification: Uncertain significance. Last evaluated: 2025-05-11. Review status: criteria provided, single submitter. Criteria: Invitae Variant Classification Sherloc (09022015). Collection method: clinical testing. Allele origin: germline.
Comment: This sequence change replaces lysine, which is basic and polar, with arginine, which is basic and polar, at codon 365 of the CHRNA4 protein (p.Lys365Arg). This variant is not present in population databases (gnomAD no frequency). This variant has not been reported in the literature in individuals affected with CHRNA4-related conditions. Invitae Evidence Modeling of protein sequence and biophysical properties (such as structural, functional, and spatial information, amino acid conservation, physicochemical variation, residue mobility, and thermodynamic stability) indicates that this missense variant is not expected to disrupt CHRNA4 protein function with a negative predictive value of 80%. In summary, the available evidence is currently insufficient to determine the role of this variant in disease. Therefore, it has been classified as a Variant of Uncertain Significance.

NM_000744.7(CHRNA4):c.1094A>G (p.Lys365Arg)

Gene: CHRNA4 (cholinergic receptor nicotinic alpha 4 subunit; minus strand). Cytogenetic location: 20q13.33.
Variant type: single nucleotide variant.
Coding change: c.1094A>G on transcript NM_000744.7 (MANE Select); coding-DNA position 1094, A replaced by G.
Protein change: p.Lys365Arg; replaces lysine 365 with arginine.
Molecular consequence: missense variant. On other transcripts: non-coding transcript variant (1).
Genome position (GRCh38, 1-based): chr20:63,350,317, T>C on the plus strand (A>G on the coding strand, the complement: CHRNA4 is on the minus strand). VCF-style: chr20-63350317-T-C. GRCh37 (hg19) VCF-style: chr20-61981669-T-C.
Other names: c.566A>G, p.Lys189Arg (NM_001256573.2); short protein forms K189R, K365R.
Identifiers: ClinVar variation 4742078 (VCV004742078.1).